The following is an entry in ClinVar:

NM_000263.4(NAGLU):c.1A>G (p.Met1Val)

Genes: NAGLU (N-acetyl-alpha-glucosaminidase; plus strand), LOC130060903 (ATAC-STARR-seq lymphoblastoid silent region 8533; plus strand). Cytogenetic location: 17q21.2.
Variant type: single nucleotide variant.
Coding change: c.1A>G on transcript NM_000263.4 (MANE Select); coding-DNA position 1, A replaced by G.
Protein change: p.Met1Val; changes the start codon (methionine 1).
Molecular consequence: missense variant, initiator codon variant.
Genome position (GRCh38, 1-based): chr17:42,536,273, A>G. VCF-style: chr17-42536273-A-G. GRCh37 (hg19) VCF-style: chr17-40688291-A-G.
Other names: short protein forms M1V.
Identifiers: ClinVar variation 488848 (VCV000488848.8), dbSNP rs1325661354, ClinGen allele CA399594810.

ClinVar aggregate classification (germline): Pathogenic/Likely pathogenic. Review status: criteria provided, multiple submitters, no conflicts (2 of 4 stars). 4 submissions from 4 submitters: Pathogenic (3); Likely pathogenic (1). Last evaluated 2026-07-15.

Conditions:
Mucopolysaccharidosis, MPS-III-B (MPS3B). Also called: N-ACETYL-ALPHA-D-GLUCOSAMINIDASE DEFICIENCY; NAGLU DEFICIENCY; MUCOPOLYSACCHARIDOSIS, TYPE IIIB; SANFILIPPO SYNDROME B; Mucopolysaccharidosis type IIIB (Sanfilippo B); MPS IIIB (Sanfilippo Syndrome Type B). Identifiers: Orphanet 79270, MedGen C0086648, MONDO:0009656, OMIM 252920.
Charcot-Marie-Tooth disease axonal type 2V. Also called: CHARCOT-MARIE-TOOTH NEUROPATHY, TYPE 2V; CHARCOT-MARIE-TOOTH DISEASE, AXONAL, AUTOSOMAL DOMINANT, TYPE 2V. Identifiers: Orphanet 447964, MedGen C5569050, MONDO:0014665, OMIM 616491.

Submissions (4):

Myriad Genetics, Inc.
Classification: Pathogenic for Mucopolysaccharidosis, MPS-III-B. Last evaluated: 2026-07-15. Review status: criteria provided, single submitter. Criteria: Myriad Autosomal Dominant, Autosomal Recessive and X-Linked Classification Criteria (2023). Collection method: clinical testing. Allele origin: unknown.
Comment: NM_000263.3(NAGLU):c.1A>G(M1?) is an initiation codon variant classified as pathogenic in the context of mucopolysaccharidosis type IIIB. M1? has been observed in a case with relevant disease (PMID: 41593770). Relevant functional assessments of this variant are not available in the literature. Internal structural analysis of the variant is supportive of pathogenicity. M1? has not been observed in referenced population frequency databases. In summary, NM_000263.3(NAGLU):c.1A>G(M1?) is an initiation codon variant that has internal structural support for pathogenicity and has been observed more frequently in cases with the relevant disease than in healthy populations. Please note: this variant was assessed in the context of healthy population screening.

Natera, Inc.
Classification: Likely pathogenic for Mucopolysaccharidosis type IIIB. Last evaluated: 2025-07-02. Review status: criteria provided, single submitter. Criteria: Natera Variant Classification Schema (03/2026). Collection method: clinical testing. Allele origin: germline.
Comment: The c.1A>G variant in NAGLU is predicted to result in start loss due to disruption of the initiator methionine. This variant is expected to result in nonsense mediated decay, truncation, or a dysfunctional protein product. This variant is rare in the general population with a frequency below the threshold expected for the associated phenotype(s). Given the available evidence, this variant is classified as Likely Pathogenic.

Labcorp Genetics (formerly Invitae), Labcorp
Classification: Pathogenic for Charcot-Marie-Tooth disease axonal type 2V; Mucopolysaccharidosis, MPS-III-B. Last evaluated: 2024-01-28. Review status: criteria provided, single submitter. Criteria: Invitae Variant Classification Sherloc (09022015). Collection method: clinical testing. Allele origin: germline.
Comment: This sequence change affects the initiator methionine of the NAGLU mRNA. The next in-frame methionine is located at codon 157. This variant is not present in population databases (gnomAD no frequency). Disruption of the initiator codon has been observed in individual(s) with mucopolysaccharidosis type III (PMID: 9950362, 18218046). ClinVar contains an entry for this variant (Variation ID: 488848). For these reasons, this variant has been classified as Pathogenic.

GeneDx
Classification: Pathogenic. Last evaluated: 2015-11-09. Review status: criteria provided, single submitter. Criteria: GeneDx Variant Classification (06012015). Collection method: clinical testing. Allele origin: germline. Affected: yes.
Comment: The c.1 A>G variant alters the initiator Methionine codon, and the resultant protein would be described as p.Met1?" using a question mark to signify that it is not known if the loss of Met1 means that all protein translation is completely prevented or if an abnormal protein is produced using an alternate Met. Therefore, we interpret c.1 A>G to be a pathogenic variant."

Literature cited by the submitters: PubMed 41593770 (cited by Myriad Genetics, Inc.); PubMed 9950362 (cited by Labcorp Genetics (formerly Invitae), Labcorp); PubMed 18218046 (cited by Labcorp Genetics (formerly Invitae), Labcorp).